The following is an entry in ClinVar:

ClinVar aggregate classification (germline): Uncertain significance (1 of 4 stars; one submission).

Conditions:
Cardiovascular phenotype. Identifiers: MedGen CN230736.

Allele frequency attached by ClinVar (database versions not stated): ExAC 0.00001.
gnomAD v4.1: 1 of 1,613,552 alleles (0.000062%); highest among the groups gnomAD compares: East Asian, 0.0022%; no homozygotes.

Submission:

Ambry Genetics
Classification: Uncertain significance for Cardiovascular phenotype. Last evaluated: 2020-05-08. Review status: criteria provided, single submitter. Criteria: Ambry Variant Classification Scheme 2023. Collection method: clinical testing. Allele origin: germline.
Comment: The p.T20061A variant (also known as c.60181A>G), located in coding exon 155 of the TTN gene, results from an A to G substitution at nucleotide position 60181. The threonine at codon 20061 is replaced by alanine, an amino acid with similar properties. This amino acid position is well conserved in available vertebrate species; however, alanine is the reference amino acid in other vertebrate species. In addition, this alteration is predicted to be tolerated by in silico analysis. Since supporting evidence is limited at this time, the clinical significance of this alteration remains unclear.

NM_001267550.2(TTN):c.87376A>G (p.Thr29126Ala)

Genes: TTN (titin; minus strand), TTN-AS1 (TTN antisense RNA 1; plus strand). Cytogenetic location: 2q31.2.
Variant type: single nucleotide variant.
Coding change: c.87376A>G on transcript NM_001267550.2 (MANE Select); coding-DNA position 87376, A replaced by G.
Protein change: p.Thr29126Ala; replaces threonine 29126 with alanine.
Molecular consequence: missense variant.
Genome position (GRCh38, 1-based): chr2:178,557,978, T>C on the plus strand (A>G on the coding strand, the complement: TTN is on the minus strand). VCF-style: chr2-178557978-T-C. GRCh37 (hg19) VCF-style: chr2-179422705-T-C.
Other names: c.82453A>G, p.Thr27485Ala (NM_001256850.1); c.60181A>G, p.Thr20061Ala (NM_003319.4); c.79672A>G, p.Thr26558Ala (NM_133378.4); c.60556A>G, p.Thr20186Ala (NM_133432.3); c.60757A>G, p.Thr20253Ala (NM_133437.4); short protein forms T26558A, T20253A, T27485A, T29126A, T20061A, T20186A.
Identifiers: ClinVar variation 1751098 (VCV001751098.2), dbSNP rs773581788, ClinGen allele CA1988325.